The following is an entry in ClinVar:

NM_003072.5(SMARCA4):c.4912-2A>C

Gene: SMARCA4 (SWI/SNF related BAF chromatin remodeling complex subunit ATPase 4; plus strand). Cytogenetic location: 19p13.2.
Variant type: single nucleotide variant.
Coding change: c.4912-2A>C on transcript NM_003072.5 (MANE Select); the canonical splice acceptor site of the intron before coding-DNA position 4912, A replaced by C.
Molecular consequence: splice acceptor variant.
Genome position (GRCh38, 1-based): chr19:11,061,782, A>C. VCF-style: chr19-11061782-A-C. GRCh37 (hg19) VCF-style: chr19-11172458-A-C.
Other names: c.4912-2A>C (NM_001128844.3); c.5008-2A>C (NM_001128849.3, NM_001387283.1); c.4813-2A>C (NM_001128847.4, NM_001374457.1); c.4909-2A>C (NM_001411150.1); c.4822-2A>C (NM_001128845.2); c.4819-2A>C (NM_001128846.2); c.4810-2A>C (NM_001128848.2).
Identifiers: ClinVar variation 2682084 (VCV002682084.3), dbSNP rs2147157781, ClinGen allele CA404081763.

ClinVar aggregate classification (germline): Uncertain significance. Review status: criteria provided, multiple submitters, no conflicts (2 of 4 stars). 2 submissions from 2 submitters: Uncertain significance (2). Last evaluated 2025-05-13.

Conditions:
Hereditary cancer-predisposing syndrome. Also called: Neoplastic Syndromes, Hereditary; Hereditary neoplastic syndrome; Tumor predisposition; Hereditary Cancer Syndrome. Identifiers: Orphanet 140162, MedGen C0027672, MeSH D009386, MONDO:0015356.

Submissions (2):

Ambry Genetics
Classification: Uncertain significance for Hereditary cancer-predisposing syndrome. Last evaluated: 2025-05-13. Review status: criteria provided, single submitter. Criteria: Ambry Variant Classification Scheme 2023. Collection method: clinical testing. Allele origin: germline.
Comment: The c.5008-2A>C intronic variant results from an A to C substitution two nucleotides upstream from coding exon 35 in the SMARCA4 gene. Alterations that disrupt the canonical splice site are expected to result in aberrant splicing. This nucleotide position is highly conserved in available vertebrate species. In silico splice site analysis predicts that this alteration will weaken the native splice acceptor site and will result in the creation or strengthening of a novel splice acceptor site. However, this alteration occurs at the 3' terminus of the SMARCA4 gene, is not expected to trigger nonsense-mediated mRNA decay, and is predicted to elongate the protein. A predicted resulting transcript only impacts the last 10 amino acids of the native protein; however direct evidence is unavailable. The exact functional effect of the altered amino acids is unknown. Based on the available evidence, the clinical significance of this variant remains unclear.

Quest Diagnostics Nichols Institute San Juan Capistrano
Classification: Uncertain significance. Last evaluated: 2024-04-09. Review status: criteria provided, single submitter. Criteria: Quest Diagnostics criteria. Collection method: clinical testing. Allele origin: unknown.
Comment: The SMARCA4 c.5008-2A>C variant disrupts a canonical splice-acceptor site and is predicted to interfere with normal SMARCA4 mRNA splicing. This variant has not been reported in individuals with SMARCA4-related conditions in the published literature. This variant has not been reported in large, multi-ethnic general populations (Genome Aggregation Database). Analysis of this variant using software algorithms for the prediction of the effect of nucleotide changes on SMARCA4 mRNA splicing yielded inconclusive findings. Based on the available information, we are unable to determine the clinical significance of this variant.